The following is an entry in ClinVar:

NM_001376.5(DYNC1H1):c.3121A>T (p.Met1041Leu)

Gene: DYNC1H1 (dynein cytoplasmic 1 heavy chain 1; plus strand). Cytogenetic location: 14q32.31.
Variant type: single nucleotide variant.
Coding change: c.3121A>T on transcript NM_001376.5 (MANE Select); coding-DNA position 3121, A replaced by T.
Protein change: p.Met1041Leu; replaces methionine 1041 with leucine.
Molecular consequence: missense variant.
Genome position (GRCh38, 1-based): chr14:101,994,289, A>T. VCF-style: chr14-101994289-A-T. GRCh37 (hg19) VCF-style: chr14-102460626-A-T.
Other names: short protein forms M1041L.
Identifiers: ClinVar variation 539759 (VCV000539759.10), dbSNP rs867890249, ClinGen allele CA391032445.
Genomic context (GRCh38, chr14:101,994,289, plus strand): 5'-AATGCTTTAACACGGATGCCTGATGGCCCTGTTGCCCTGGAAGAGTCGTATTCTGCTGTC[A>T]TGGGCATTGTATCTGAAGTTGAACAGTATGTCAAGGTAAGAAACTCCTAATTTCATTCAA-3'
Protein context (NP_001367.2, residues 1031-1051): VALEESYSAV[Met1041Leu]GIVSEVEQYV

ClinVar aggregate classification (germline): Uncertain significance. Review status: criteria provided, multiple submitters, no conflicts (2 of 4 stars). 3 submissions from 3 submitters: Uncertain significance (3). Last evaluated 2024-08-01.

Conditions:
Charcot-Marie-Tooth disease axonal type 2O. Also called: CHARCOT-MARIE-TOOTH NEUROPATHY, AXONAL, TYPE 2O; CHARCOT-MARIE-TOOTH DISEASE, AXONAL, AUTOSOMAL DOMINANT, TYPE 2O; Charcot-Marie-Tooth Neuropathy Type 2O; Charcot-Marie-Tooth disease, axonal, type 20. Identifiers: Orphanet 284232, MedGen C3280220, MONDO:0013644, OMIM 614228.
Inborn genetic diseases. Identifiers: MedGen C0950123, MeSH D030342.

Submissions (3):

Ambry Genetics
Classification: Uncertain significance for Inborn genetic diseases. Last evaluated: 2024-08-01. Review status: criteria provided, single submitter. Criteria: Ambry Variant Classification Scheme 2023. Collection method: clinical testing. Allele origin: germline.

GeneDx
Classification: Uncertain significance. Last evaluated: 2024-02-22. Review status: criteria provided, single submitter. Criteria: GeneDx Variant Classification Process June 2021. Collection method: clinical testing. Allele origin: germline. Affected: yes.
Comment: Not observed at significant frequency in large population cohorts (gnomAD); In silico analysis supports that this missense variant does not alter protein structure/function; Has not been previously published as pathogenic or benign to our knowledge; This variant is associated with the following publications: (PMID: 25512093, 25609763, 26100331)

Labcorp Genetics (formerly Invitae), Labcorp
Classification: Uncertain significance for Charcot-Marie-Tooth disease axonal type 2O. Last evaluated: 2020-09-15. Review status: criteria provided, single submitter. Criteria: Invitae Variant Classification Sherloc (09022015). Collection method: clinical testing. Allele origin: germline.
Comment: This sequence change replaces methionine with leucine at codon 1041 of the DYNC1H1 protein (p.Met1041Leu). The methionine residue is moderately conserved and there is a small physicochemical difference between methionine and leucine. In summary, the available evidence is currently insufficient to determine the role of this variant in disease. Therefore, it has been classified as a Variant of Uncertain Significance. Algorithms developed to predict the effect of missense changes on protein structure and function (SIFT, PolyPhen-2, Align-GVGD) all suggest that this variant is likely to be tolerated, but these predictions have not been confirmed by published functional studies and their clinical significance is uncertain. This variant has not been reported in the literature in individuals with DYNC1H1-related disease. This variant is not present in population databases (ExAC no frequency).